The following is an entry in ClinVar:

ClinVar aggregate classification (germline): Uncertain significance. Review status: criteria provided, multiple submitters, no conflicts (2 of 4 stars). 3 submissions from 3 submitters: Uncertain significance (3). Last evaluated 2024-01-30.

Conditions:
Inborn genetic diseases. Identifiers: MedGen C0950123, MeSH D030342.
Congenital stationary night blindness 1D. Also called: Night blindness, congenital stationary (complete), 1D, autosomal recessive. Identifiers: Orphanet 215, MedGen C3151193, MONDO:0013450, OMIM 613830.

Allele frequency attached by ClinVar (database versions not stated): ExAC 0.00004; gnomAD exomes 0.00004 and 0.00007; gnomAD 0.00008 and 0.00009; TOPMed 0.00012.
gnomAD v4.1: 115 of 1,613,494 alleles (0.0071%); highest among the groups gnomAD compares: Admixed American, 0.012%; no homozygotes.

Submissions (3):

Ambry Genetics
Classification: Uncertain significance for Inborn genetic diseases. Last evaluated: 2024-01-30. Review status: criteria provided, single submitter. Criteria: Ambry Variant Classification Scheme 2023. Collection method: clinical testing. Allele origin: germline.

Labcorp Genetics (formerly Invitae), Labcorp
Classification: Uncertain significance. Last evaluated: 2022-07-19. Review status: criteria provided, single submitter. Criteria: Invitae Variant Classification Sherloc (09022015). Collection method: clinical testing. Allele origin: germline.
Comment: This sequence change replaces proline, which is neutral and non-polar, with alanine, which is neutral and non-polar, at codon 79 of the SLC24A1 protein (p.Pro79Ala). This variant is present in population databases (rs779538393, gnomAD 0.007%). This variant has not been reported in the literature in individuals affected with SLC24A1-related conditions. ClinVar contains an entry for this variant (Variation ID: 884501). Algorithms developed to predict the effect of missense changes on protein structure and function are either unavailable or do not agree on the potential impact of this missense change (SIFT: "Deleterious"; PolyPhen-2: "Possibly Damaging"; Align-GVGD: "Class C0"). In summary, the available evidence is currently insufficient to determine the role of this variant in disease. Therefore, it has been classified as a Variant of Uncertain Significance.

Illumina Laboratory Services, Illumina
Classification: Uncertain significance for Congenital stationary night blindness 1D. Last evaluated: 2018-03-02. Review status: criteria provided, single submitter. Criteria: ICSL Variant Classification Criteria 13 December 2019. Collection method: clinical testing. Allele origin: germline.

NM_004727.3(SLC24A1):c.235C>G (p.Pro79Ala)

Gene: SLC24A1 (solute carrier family 24 member 1; plus strand). Cytogenetic location: 15q22.31.
Variant type: single nucleotide variant.
Coding change: c.235C>G on transcript NM_004727.3 (MANE Select); coding-DNA position 235, C replaced by G.
Protein change: p.Pro79Ala; replaces proline 79 with alanine.
Molecular consequence: missense variant.
Genome position (GRCh38, 1-based): chr15:65,624,315, C>G. VCF-style: chr15-65624315-C-G. GRCh37 (hg19) VCF-style: chr15-65916653-C-G.
Other names: c.235C>G, p.Pro79Ala (NM_001301031.1, NM_001301032.1, NM_001301033.2); short protein forms P79A.
Identifiers: ClinVar variation 884501 (VCV000884501.10), dbSNP rs779538393, ClinGen allele CA7619718.